The following is an entry in ClinVar:

ClinVar aggregate classification (germline): Uncertain significance (1 of 4 stars; one submission).

Submission:

Ambry Genetics
Classification: Uncertain significance. Last evaluated: 2022-05-04. Review status: criteria provided, single submitter. Criteria: Ambry Variant Classification Scheme 2023. Collection method: clinical testing. Allele origin: germline.
Comment: The p.N544D variant (also known as c.1630A>G), located in coding exon 11 of the RINT1 gene, results from an A to G substitution at nucleotide position 1630. The asparagine at codon 544 is replaced by aspartic acid, an amino acid with highly similar properties. This amino acid position is conserved. In addition, this alteration is predicted to be tolerated by in silico analysis. Since supporting evidence is limited at this time, the clinical significance of this alteration remains unclear.

NM_021930.6(RINT1):c.1630A>G (p.Asn544Asp)

Gene: RINT1 (RAD50 interactor 1; plus strand). Cytogenetic location: 7q22.3.
Variant type: single nucleotide variant.
Coding change: c.1630A>G on transcript NM_021930.6 (MANE Select); coding-DNA position 1630, A replaced by G.
Protein change: p.Asn544Asp; replaces asparagine 544 with aspartic acid.
Molecular consequence: missense variant.
Genome position (GRCh38, 1-based): chr7:105,555,186, A>G. VCF-style: chr7-105555186-A-G. GRCh37 (hg19) VCF-style: chr7-105195633-A-G.
Other names: c.1396A>G, p.Asn466Asp (NM_001346599.2); c.607A>G, p.Asn203Asp (NM_001346600.2, NM_001346603.2); c.706A>G, p.Asn236Asp (NM_001346601.2); short protein forms N203D, N236D, N544D, N466D.
Identifiers: ClinVar variation 1776818 (VCV001776818.2), dbSNP rs2485150186, ClinGen allele CA368811886.
Genomic context (GRCh38, chr7:105,555,186, plus strand): 5'-ATGAAAGAAGAGACTAGAGCTTCCCTTGGCTTTCGATACTGTGCAATTCTTAATGCTGTG[A>G]ACTACATCTCAACAGTACTAGCAGATTGGGCTGACAATGTTGTGAGTTAATATGCTTTTA-3'
Protein context (NP_068749.3, residues 534-554): FRYCAILNAV[Asn544Asp]YISTVLADWA